The following is an entry in ClinVar:

NM_003072.5(SMARCA4):c.4766A>T (p.Glu1589Val)

Gene: SMARCA4 (SWI/SNF related BAF chromatin remodeling complex subunit ATPase 4; plus strand). Cytogenetic location: 19p13.2.
Variant type: single nucleotide variant.
Coding change: c.4766A>T on transcript NM_003072.5 (MANE Select); coding-DNA position 4766, A replaced by T.
Protein change: p.Glu1589Val; replaces glutamic acid 1589 with valine.
Molecular consequence: missense variant. On other transcripts: non-coding transcript variant (1).
Genome position (GRCh38, 1-based): chr19:11,059,883, A>T. VCF-style: chr19-11059883-A-T. GRCh37 (hg19) VCF-style: chr19-11170559-A-T.
Other names: c.4766A>T, p.Glu1589Val (NM_001128844.3); c.4676A>T, p.Glu1559Val (NM_001128845.2); c.4673A>T, p.Glu1558Val (NM_001128846.2); c.4667A>T, p.Glu1556Val (NM_001128847.4, NM_001374457.1); c.4664A>T, p.Glu1555Val (NM_001128848.2); c.4862A>T, p.Glu1621Val (NM_001128849.3, NM_001387283.1); c.4763A>T, p.Glu1588Val (NM_001411150.1); short protein forms E1556V, E1559V, E1588V, E1555V, E1621V, E1558V, E1589V.
Identifiers: ClinVar variation 1743652 (VCV001743652.2), dbSNP rs2515807749, ClinGen allele CA404079939.

ClinVar aggregate classification (germline): Uncertain significance (1 of 4 stars; one submission).

Conditions:
Hereditary cancer-predisposing syndrome. Also called: Hereditary Cancer Syndrome; Neoplastic Syndromes, Hereditary; Tumor predisposition; Hereditary neoplastic syndrome. Identifiers: Orphanet 140162, MedGen C0027672, MeSH D009386, MONDO:0015356.

Submission:

Ambry Genetics
Classification: Uncertain significance for Hereditary cancer-predisposing syndrome. Last evaluated: 2021-10-01. Review status: criteria provided, single submitter. Criteria: Ambry Variant Classification Scheme 2023. Collection method: clinical testing. Allele origin: germline.
Comment: The p.E1621V variant (also known as c.4862A>T), located in coding exon 33 of the SMARCA4 gene, results from an A to T substitution at nucleotide position 4862. The glutamic acid at codon 1621 is replaced by valine, an amino acid with dissimilar properties. This amino acid position is highly conserved in available vertebrate species. In addition, this alteration is predicted to be deleterious by in silico analysis. Since supporting evidence is limited at this time, the clinical significance of this alteration remains unclear.